The following is an entry in ClinVar:

ClinVar aggregate classification (germline): Conflicting classifications of pathogenicity. Review status: criteria provided, conflicting classifications (1 of 4 stars). 7 submissions from 7 submitters: Pathogenic (1); Likely pathogenic (2); Uncertain significance (3). 1 of the submissions does not count toward it. Last evaluated 2026-03-17.

Conditions:
Retinal dystrophy. Also called: Inherited retinal dystrophy. Identifiers: Orphanet 71862, MedGen C0854723, MeSH D058499, MONDO:0019118, HP:0000556.
ABCA4-related disorder. Also called: ABCA4-related condition; ABCA4-related disorders. Identifiers: MedGen CN239167.
Severe early-childhood-onset retinal dystrophy (STGD1). Also called: Stargardt macular dystrophy; Juvenile onset macular degeneration; Stargardt disease 1; MACULAR DYSTROPHY WITH FLECKS, TYPE 1; STGD. Identifiers: Orphanet 364055, Orphanet 827, MedGen C1855465, MeSH D000080362, MONDO:0009549, OMIM 248200.
Retinitis pigmentosa 19 (RP19). Also called: ABCA4-Related Retinitis Pigmentosa. Identifiers: Orphanet 791, MedGen C1866422, MONDO:0011137, OMIM 601718.
Cone-rod dystrophy 3 (CORD3). Identifiers: Orphanet 1872, MedGen C1858806, MONDO:0011395, OMIM 604116.
Age related macular degeneration 2. Also called: MACULAR DEGENERATION, SENILE; MACULOPATHY, AGE-RELATED, 2; MACULOPATHY, AGE-RELATED. Identifiers: MedGen C3495438, MONDO:0007932, OMIM 153800.
ABCA4-related retinopathy. Also called: ABCA4 retinoapthy; ABCA4-related retinoapthy. Identifiers: MedGen CN322612, MONDO:0800406.

Allele frequency attached by ClinVar (database versions not stated): 1000 Genomes Project 0.00020; gnomAD 0.00034 and 0.00031; ESP Exome Variant Server 0.00054; gnomAD exomes 0.00015 and 0.00006; 1000 Genomes Project 30x 0.00016; ExAC 0.00016; TOPMed 0.00043.
gnomAD v4.1: 135 of 1,614,198 alleles (0.0084%); highest among the groups gnomAD compares: African/African-American, 0.099%; no homozygotes.

Submissions (7):

PreventionGenetics, part of Exact Sciences
Classification: Uncertain significance for ABCA4-related condition. Last evaluated: 2026-03-17. Review status: criteria provided, single submitter. Criteria: ACMG Guidelines, 2015. Collection method: clinical testing. Allele origin: germline.
Comment: The ABCA4 c.2930C>T variant is predicted to result in the amino acid substitution p.Thr977Met. This variant has been reported along with a second ABCA4 variant in at least two individuals with retinal disease (Table S9, Corradi et al. 2023. PubMed ID: 37705246; Table S1, Lin et al. 2024. PubMed ID: 38219857). An alternate substitution of this amino acid (p.Thr977Pro) has also been reported in individuals with retinal disease (Passerini et al. 2010. PubMed ID: 19265867). This variant is reported in 0.088% of alleles in individuals of African descent in gnomAD. Although we suspect that this variant may be pathogenic, at this time, the clinical significance of this variant is uncertain due to the absence of conclusive functional and genetic evidence.

GeneDx
Classification: Likely pathogenic. Last evaluated: 2026-02-25. Review status: criteria provided, single submitter. Criteria: GeneDx Variant Classification Process June 2021. Collection method: clinical testing. Allele origin: germline.
Comment: In silico analysis supports that this missense variant has a deleterious effect on protein structure/function; This variant is associated with the following publications: (PMID: 38219857, 37705246)

Labcorp Genetics (formerly Invitae), Labcorp
Classification: Pathogenic. Last evaluated: 2026-01-05. Review status: criteria provided, single submitter. Criteria: Invitae Variant Classification Sherloc (09022015). Collection method: clinical testing. Allele origin: germline.
Comment: This sequence change replaces threonine, which is neutral and polar, with methionine, which is neutral and non-polar, at codon 977 of the ABCA4 protein (p.Thr977Met). This variant is present in population databases (rs148015012, gnomAD 0.09%), including at least one homozygous and/or hemizygous individual. This missense change has been observed in individuals with retinal disease (internal data). ClinVar contains an entry for this variant (Variation ID: 857398). Invitae Evidence Modeling of protein sequence and biophysical properties (such as structural, functional, and spatial information, amino acid conservation, physicochemical variation, residue mobility, and thermodynamic stability) indicates that this missense variant is expected to disrupt ABCA4 protein function with a positive predictive value of 95%. This variant disrupts the p.Thr977 amino acid residue in ABCA4. Other variant(s) that disrupt this residue have been observed in individuals with ABCA4-related conditions (PMID: 19265867), which suggests that this may be a clinically significant amino acid residue. For these reasons, this variant has been classified as Pathogenic.

Blueprint Genetics
Classification: Uncertain significance. Last evaluated: 2024-11-07. Review status: criteria provided, single submitter. Criteria: ACMG Guidelines, 2015. Collection method: clinical testing. Allele origin: germline.

Fulgent Genetics
Classification: Likely pathogenic for Age related macular degeneration 2; Severe early-childhood-onset retinal dystrophy; Retinitis pigmentosa 19; Cone-rod dystrophy 3. Last evaluated: 2024-06-01. Review status: criteria provided, single submitter. Criteria: ACMG Guidelines, 2015. Collection method: clinical testing. Allele origin: germline.

Department of Pathology and Laboratory Medicine, Sinai Health System
Classification: Uncertain significance for ABCA4-related retinopathy. Last evaluated: 2023-09-26. Review status: criteria provided, single submitter. Criteria: ACMG Guidelines, 2015. Collection method: research. Allele origin: germline.

Institute of Human Genetics, Univ. Regensburg, Univ. Regensburg
Classification: Likely pathogenic for Retinal dystrophy. Last evaluated: 2021-01-01. Review status: no assertion criteria provided. Criteria: ACMG Guidelines, 2015. Collection method: clinical testing. Allele origin: germline. Affected: yes. Not counted in ClinVar's aggregate classification.

Literature cited by the submitters: PubMed 19265867 (cited by Labcorp Genetics (formerly Invitae), Labcorp).

NM_000350.3(ABCA4):c.2930C>T (p.Thr977Met)

Gene: ABCA4 (ATP binding cassette subfamily A member 4; minus strand). Cytogenetic location: 1p22.1.
Variant type: single nucleotide variant.
Coding change: c.2930C>T on transcript NM_000350.3 (MANE Select); coding-DNA position 2930, C replaced by T.
Protein change: p.Thr977Met; replaces threonine 977 with methionine.
Molecular consequence: missense variant.
Genome position (GRCh38, 1-based): chr1:94,044,733, G>A on the plus strand (C>T on the coding strand, the complement: ABCA4 is on the minus strand). VCF-style: chr1-94044733-G-A. GRCh37 (hg19) VCF-style: chr1-94510289-G-A.
Other names: c.2708C>T, p.Thr903Met (NM_001425324.1); short protein forms T977M, T903M.
Identifiers: ClinVar variation 857398 (VCV000857398.14), dbSNP rs148015012, ClinGen allele CA958090.